The following is an entry in ClinVar:

NM_020778.5(ALPK3):c.5096C>T (p.Ser1699Phe)

Gene: ALPK3 (alpha kinase 3; plus strand). Cytogenetic location: 15q25.3.
Variant type: single nucleotide variant.
Coding change: c.5096C>T on transcript NM_020778.5 (MANE Select); coding-DNA position 5096, C replaced by T.
Protein change: p.Ser1699Phe; replaces serine 1699 with phenylalanine.
Molecular consequence: missense variant.
Genome position (GRCh38, 1-based): chr15:84,868,434, C>T. VCF-style: chr15-84868434-C-T. GRCh37 (hg19) VCF-style: chr15-85411665-C-T.
Other names: short protein forms S1699F.
Identifiers: ClinVar variation 1480390 (VCV001480390.11), dbSNP rs770515435, ClinGen allele CA7710158.
Genomic context (GRCh38, chr15:84,868,434, plus strand): 5'-AGGCCTCAGAGCCAGTCACCACTCAGTTGTTGGGACAGCCTCCCACCCAAGAGGAGGGCT[C>T]CAAGGCCCAGGGCATGCGGTAGCCTCCGCAGAGGCTGGGGGCCTCCACCCAGCAGCAGAC-3'
Protein context (NP_065829.4, residues 1689-1705): LGQPPTQEEG[Ser1699Phe]KAQGMR

ClinVar aggregate classification (germline): Uncertain significance. Review status: criteria provided, multiple submitters, no conflicts (2 of 4 stars). 2 submissions from 2 submitters: Uncertain significance (2). Last evaluated 2025-12-28.

Conditions:
Cardiovascular phenotype. Identifiers: MedGen CN230736.

Allele frequency attached by ClinVar (database versions not stated): ExAC 0.00001; gnomAD 0.00001; gnomAD exomes 0.00001.
gnomAD v4.1: 13 of 1,609,862 alleles (0.00081%); highest among the groups gnomAD compares: Non-Finnish European, 0.00025%; no homozygotes.

Submissions (2):

Labcorp Genetics (formerly Invitae), Labcorp
Classification: Uncertain significance. Last evaluated: 2025-12-28. Review status: criteria provided, single submitter. Criteria: Invitae Variant Classification Sherloc (09022015). Collection method: clinical testing. Allele origin: germline.
Comment: This sequence change replaces serine, which is neutral and polar, with phenylalanine, which is neutral and non-polar, at codon 1901 of the ALPK3 protein (p.Ser1901Phe). This variant is present in population databases (rs770515435, gnomAD 0.01%). This variant has not been reported in the literature in individuals affected with ALPK3-related conditions. ClinVar contains an entry for this variant (Variation ID: 1480390). An algorithm developed to predict the effect of missense changes on protein structure and function (PolyPhen-2) suggests that this variant is likely to be tolerated. In summary, the available evidence is currently insufficient to determine the role of this variant in disease. Therefore, it has been classified as a Variant of Uncertain Significance.

Ambry Genetics
Classification: Uncertain significance for Cardiovascular phenotype. Last evaluated: 2025-01-31. Review status: criteria provided, single submitter. Criteria: Ambry Variant Classification Scheme 2023. Collection method: clinical testing. Allele origin: germline.
Comment: The p.S1901F variant (also known as c.5702C>T), located in coding exon 14 of the ALPK3 gene, results from a C to T substitution at nucleotide position 5702. The serine at codon 1901 is replaced by phenylalanine, an amino acid with highly dissimilar properties. This amino acid position is conserved. In addition, this alteration is predicted to be tolerated by in silico analysis. Since supporting evidence is limited at this time, the clinical significance of this alteration remains unclear.